The following is an entry in ClinVar:

NM_005458.8(GABBR2):c.1345C>G (p.Leu449Val)

Gene: GABBR2 (gamma-aminobutyric acid type B receptor subunit 2; minus strand). Cytogenetic location: 9q22.33.
Variant type: single nucleotide variant.
Coding change: c.1345C>G on transcript NM_005458.8 (MANE Select); coding-DNA position 1345, C replaced by G.
Protein change: p.Leu449Val; replaces leucine 449 with valine.
Molecular consequence: missense variant.
Genome position (GRCh38, 1-based): chr9:98,394,208, G>C on the plus strand (C>G on the coding strand, the complement: GABBR2 is on the minus strand). VCF-style: chr9-98394208-G-C. GRCh37 (hg19) VCF-style: chr9-101156490-G-C.
Other names: short protein forms L449V.
Identifiers: ClinVar variation 848842 (VCV000848842.9), dbSNP rs1832246644, ClinGen allele CA374211971.
Genomic context (GRCh38, chr9:98,394,208, plus strand): 5'-CTCCTCTGAGAAGCCCACCTGCCTTACCTTGGAACCTGATGGTGTCATTGATGATCTCCA[G>C]TGTGTCGGCCACAGCGTTGTACTCTCCCACCTTCACCTCCCTGCTGTCTGTGGGGAGCAA-3'
Protein context (NP_005449.5, residues 439-459): VGEYNAVADT[Leu449Val]EIINDTIRFQ

ClinVar aggregate classification (germline): Uncertain significance (1 of 4 stars; one submission).

Conditions:
Epileptic encephalopathy. Identifiers: MedGen C0543888, HP:0200134.

Submission:

Labcorp Genetics (formerly Invitae), Labcorp
Classification: Uncertain significance for Epileptic encephalopathy. Last evaluated: 2022-10-13. Review status: criteria provided, single submitter. Criteria: Invitae Variant Classification Sherloc (09022015). Collection method: clinical testing. Allele origin: germline.
Comment: This sequence change replaces leucine, which is neutral and non-polar, with valine, which is neutral and non-polar, at codon 449 of the GABBR2 protein (p.Leu449Val). This variant is not present in population databases (gnomAD no frequency). This variant has not been reported in the literature in individuals affected with GABBR2-related conditions. ClinVar contains an entry for this variant (Variation ID: 848842). In summary, the available evidence is currently insufficient to determine the role of this variant in disease. Therefore, it has been classified as a Variant of Uncertain Significance. Advanced modeling of protein sequence and biophysical properties (such as structural, functional, and spatial information, amino acid conservation, physicochemical variation, residue mobility, and thermodynamic stability) performed at Invitae indicates that this missense variant is not expected to disrupt GABBR2 protein function.